The following is an entry in ClinVar:

ClinVar aggregate classification (germline): Uncertain significance (1 of 4 stars; one submission).

Conditions:
Hereditary diffuse gastric adenocarcinoma (HDGC). Also called: DIFFUSE GASTRIC AND LOBULAR BREAST CANCER SYNDROME. Identifiers: Orphanet 26106, MedGen C1708349, MONDO:0007648, OMIM 137215.

Submission:

Labcorp Genetics (formerly Invitae), Labcorp
Classification: Uncertain significance for Hereditary diffuse gastric adenocarcinoma. Last evaluated: 2022-04-17. Review status: criteria provided, single submitter. Criteria: Invitae Variant Classification Sherloc (09022015). Collection method: clinical testing. Allele origin: germline.
Comment: Algorithms developed to predict the effect of missense changes on protein structure and function are either unavailable or do not agree on the potential impact of this missense change (SIFT: "Deleterious"; PolyPhen-2: "Probably Damaging"; Align-GVGD: "Class C0"). This variant has not been reported in the literature in individuals affected with CDH1-related conditions. This variant is not present in population databases (gnomAD no frequency). This sequence change replaces proline, which is neutral and non-polar, with glutamine, which is neutral and polar, at codon 595 of the CDH1 protein (p.Pro595Gln). In summary, the available evidence is currently insufficient to determine the role of this variant in disease. Therefore, it has been classified as a Variant of Uncertain Significance.

NM_004360.5(CDH1):c.1784C>A (p.Pro595Gln)

Gene: CDH1 (cadherin 1; plus strand). Cytogenetic location: 16q22.1.
Variant type: single nucleotide variant.
Coding change: c.1784C>A on transcript NM_004360.5 (MANE Select); coding-DNA position 1784, C replaced by A.
Protein change: p.Pro595Gln; replaces proline 595 with glutamine.
Molecular consequence: missense variant. On other transcripts: 5 prime UTR variant (1).
Genome position (GRCh38, 1-based): chr16:68,822,073, C>A. VCF-style: chr16-68822073-C-A. GRCh37 (hg19) VCF-style: chr16-68855976-C-A.
Other names: c.1601C>A, p.Pro534Gln (NM_001317184.2); c.236C>A, p.Pro79Gln (NM_001317185.2); c.-182C>A (NM_001317186.2); short protein forms P534Q, P79Q, P595Q.
Identifiers: ClinVar variation 2127306 (VCV002127306.4), dbSNP rs1555516843, ClinGen allele CA396466637.
Genomic context (GRCh38, chr16:68,822,073, plus strand): 5'-CTACTGGAACAGGGACACTTCTGCTGATCCTGTCTGATGTGAATGACAACGCCCCCATAC[C>A]AGAACCTCGAACTATATTCTTCTGTGAGAGGAATCCAAAGCCTCAGGTCATAAACATCAT-3'
Protein context (NP_004351.1, residues 585-605): LSDVNDNAPI[Pro595Gln]EPRTIFFCER